The following is an entry in ClinVar:

NM_001082486.2(ACD):c.337C>T (p.Pro113Ser)

Gene: ACD (ACD shelterin complex subunit and telomerase recruitment factor; minus strand). Cytogenetic location: 16q22.1.
Variant type: single nucleotide variant.
Coding change: c.337C>T on transcript NM_001082486.2 (MANE Select); coding-DNA position 337, C replaced by T.
Protein change: p.Pro113Ser; replaces proline 113 with serine.
Molecular consequence: missense variant.
Genome position (GRCh38, 1-based): chr16:67,659,613, G>A on the plus strand (C>T on the coding strand, the complement: ACD is on the minus strand). VCF-style: chr16-67659613-G-A. GRCh37 (hg19) VCF-style: chr16-67693516-G-A.
Other names: c.337C>T, p.Pro113Ser (NM_001410884.1); c.328C>T, p.Pro110Ser (NM_022914.3); short protein forms P113S, P110S.
Identifiers: ClinVar variation 1750721 (VCV001750721.2), dbSNP rs1597773035, ClinGen allele CA396355607.

ClinVar aggregate classification (germline): Uncertain significance (1 of 4 stars; one submission).

Conditions:
Inborn genetic diseases. Identifiers: MedGen C0950123, MeSH D030342.

Allele frequency attached by ClinVar (database versions not stated): gnomAD exomes below 0.00001.

Submission:

Ambry Genetics
Classification: Uncertain significance for Inborn genetic diseases. Last evaluated: 2022-09-24. Review status: criteria provided, single submitter. Criteria: Ambry Variant Classification Scheme 2023. Collection method: clinical testing. Allele origin: germline.
Comment: The p.P199S variant (also known as c.595C>T) is located in coding exon 4 of the ACD gene. The proline at codon 199 is replaced by serine, an amino acid with similar properties. This change occurs in the first base pair of coding exon 4. This amino acid position is conserved. In addition, this alteration is predicted to be tolerated by in silico analysis. Since supporting evidence is limited at this time, the clinical significance of this alteration remains unclear.